The following is an entry in ClinVar:

NM_000214.3(JAG1):c.632C>A (p.Ala211Asp)

Gene: JAG1 (jagged canonical Notch ligand 1; minus strand). Cytogenetic location: 20p12.2.
Variant type: single nucleotide variant.
Coding change: c.632C>A on transcript NM_000214.3 (MANE Select); coding-DNA position 632, C replaced by A.
Protein change: p.Ala211Asp; replaces alanine 211 with aspartic acid.
Molecular consequence: missense variant.
Genome position (GRCh38, 1-based): chr20:10,658,530, G>T on the plus strand (C>A on the coding strand, the complement: JAG1 is on the minus strand). VCF-style: chr20-10658530-G-T. GRCh37 (hg19) VCF-style: chr20-10639178-G-T.
Other names: short protein forms A211D.
Identifiers: ClinVar variation 3573345 (VCV003573345.2).

Conditions:
Arteriohepatic dysplasia. Also called: Alagille Syndrome. Identifiers: Orphanet 52, MedGen C0085280, MeSH D016738, MONDO:0007318.

Submission:

Gilbert/Spinner Lab, Children's Hospital of Philadelphia
No classification provided (evidence only). Condition: Alagille syndrome. Review status: no classification provided. Collection method: research. Allele origin: not applicable. Functional consequence: functionally_abnormal.
ClinVar note: "not provided" was previously submitted as the classification for the variant. However, the classification appeared to be based only on an observation of functional data so it was converted to no classification on 2025-07-30.